The following is an entry in ClinVar:

NM_005502.4(ABCA1):c.1442T>G (p.Val481Gly)

Gene: ABCA1 (ATP binding cassette subfamily A member 1; minus strand). Cytogenetic location: 9q31.1.
Variant type: single nucleotide variant.
Coding change: c.1442T>G on transcript NM_005502.4 (MANE Select); coding-DNA position 1442, T replaced by G.
Protein change: p.Val481Gly; replaces valine 481 with glycine.
Molecular consequence: missense variant.
Genome position (GRCh38, 1-based): chr9:104,832,641, A>C on the plus strand (T>G on the coding strand, the complement: ABCA1 is on the minus strand). VCF-style: chr9-104832641-A-C. GRCh37 (hg19) VCF-style: chr9-107594922-A-C.
Other names: short protein forms V481G.
Identifiers: ClinVar variation 2454040 (VCV002454040.2), dbSNP rs2538182854, ClinGen allele CA374325585.

ClinVar aggregate classification (germline): Uncertain significance (1 of 4 stars; one submission).

Conditions:
Cardiovascular phenotype. Identifiers: MedGen CN230736.

Allele frequency attached by ClinVar (database versions not stated): gnomAD exomes below 0.00001.
gnomAD v4.1: 1 of 1,614,186 alleles (0.000062%); highest among the groups gnomAD compares: South Asian, 0.0011%; no homozygotes.

Submission:

Ambry Genetics
Classification: Uncertain significance for Cardiovascular phenotype. Last evaluated: 2022-12-18. Review status: criteria provided, single submitter. Criteria: Ambry Variant Classification Scheme 2023. Collection method: clinical testing. Allele origin: germline.
Comment: The p.V481G variant (also known as c.1442T>G), located in coding exon 11 of the ABCA1 gene, results from a T to G substitution at nucleotide position 1442. The valine at codon 481 is replaced by glycine, an amino acid with dissimilar properties. This amino acid position is conserved. In addition, the in silico prediction for this alteration is inconclusive. Since supporting evidence is limited at this time, the clinical significance of this alteration remains unclear.